The following is an entry in ClinVar:

NM_053025.4(MYLK):c.2009A>T (p.His670Leu)

Gene: MYLK (myosin light chain kinase; minus strand). Cytogenetic location: 3q21.1.
Variant type: single nucleotide variant.
Coding change: c.2009A>T on transcript NM_053025.4 (MANE Select); coding-DNA position 2009, A replaced by T.
Protein change: p.His670Leu; replaces histidine 670 with leucine.
Molecular consequence: missense variant.
Genome position (GRCh38, 1-based): chr3:123,708,829, T>A on the plus strand (A>T on the coding strand, the complement: MYLK is on the minus strand). VCF-style: chr3-123708829-T-A. GRCh37 (hg19) VCF-style: chr3-123427676-T-A.
Other names: c.1481A>T, p.His494Leu (NM_001321309.2); c.1802A>T, p.His601Leu (NM_053026.4, NM_053028.4); c.2009A>T, p.His670Leu (NM_053027.4); short protein forms H670L, H601L, H494L.
Identifiers: ClinVar variation 393012 (VCV000393012.13), dbSNP rs1057524740, ClinGen allele CA16604798.

ClinVar aggregate classification (germline): Uncertain significance. Review status: criteria provided, multiple submitters, no conflicts (2 of 4 stars). 3 submissions from 3 submitters: Uncertain significance (3). Last evaluated 2025-03-20.

Conditions:
Familial thoracic aortic aneurysm and aortic dissection (TAAD). Also called: Thoracic aortic aneurysms and dissections. Identifiers: Orphanet 91387, MedGen C4707243, MONDO:0019625.
Aortic aneurysm, familial thoracic 7 (AAT7). Also called: AORTIC DISSECTION, FAMILIAL, WITH OR WITHOUT AORTIC ANEURYSM. Identifiers: MedGen C3151077, MONDO:0013418, OMIM 613780.

Allele frequency attached by ClinVar (database versions not stated): gnomAD exomes 0.00002; TOPMed 0.00002.
gnomAD v4.1: 13 of 1,614,058 alleles (0.00081%); highest among the groups gnomAD compares: South Asian, 0.0055%; no homozygotes.

Submissions (3):

Labcorp Genetics (formerly Invitae), Labcorp
Classification: Uncertain significance for Aortic aneurysm, familial thoracic 7. Last evaluated: 2025-03-20. Review status: criteria provided, single submitter. Criteria: Invitae Variant Classification Sherloc (09022015). Collection method: clinical testing. Allele origin: germline.
Comment: This sequence change replaces histidine, which is basic and polar, with leucine, which is neutral and non-polar, at codon 670 of the MYLK protein (p.His670Leu). This variant is present in population databases (no rsID available, gnomAD 0.01%). This variant has not been reported in the literature in individuals affected with MYLK-related conditions. ClinVar contains an entry for this variant (Variation ID: 393012). Invitae Evidence Modeling of protein sequence and biophysical properties (such as structural, functional, and spatial information, amino acid conservation, physicochemical variation, residue mobility, and thermodynamic stability) has been performed for this missense variant. However, the output from this modeling did not meet the statistical confidence thresholds required to predict the impact of this variant on MYLK protein function. In summary, the available evidence is currently insufficient to determine the role of this variant in disease. Therefore, it has been classified as a Variant of Uncertain Significance.

GeneDx
Classification: Uncertain significance. Last evaluated: 2023-04-28. Review status: criteria provided, single submitter. Criteria: GeneDx Variant Classification Process June 2021. Collection method: clinical testing. Allele origin: germline. Affected: yes.
Comment: Not observed at significant frequency in large population cohorts (gnomAD); In silico analysis supports that this missense variant has a deleterious effect on protein structure/function; Has not been previously published as pathogenic or benign to our knowledge

Ambry Genetics
Classification: Uncertain significance for Familial thoracic aortic aneurysm and aortic dissection. Last evaluated: 2022-09-24. Review status: criteria provided, single submitter. Criteria: Ambry Variant Classification Scheme 2023. Collection method: clinical testing. Allele origin: germline.
Comment: The p.H670L variant (also known as c.2009A>T), located in coding exon 12 of the MYLK gene, results from an A to T substitution at nucleotide position 2009. The histidine at codon 670 is replaced by leucine, an amino acid with similar properties. This amino acid position is conserved. In addition, the in silico prediction for this alteration is inconclusive. Since supporting evidence is limited at this time, the clinical significance of this alteration remains unclear.